The following is an entry in ClinVar:

ClinVar aggregate classification (germline): Conflicting classifications of pathogenicity. Review status: criteria provided, conflicting classifications (1 of 4 stars). 2 submissions from 2 submitters: Uncertain significance (1); Likely benign (1). Last evaluated 2024-08-01.

Conditions:
Paget disease of bone 3. Identifiers: MedGen C4085252, MONDO:0008176, OMIM 167250.

Allele frequency attached by ClinVar (database versions not stated): gnomAD 0.00006 and 0.00007; ESP Exome Variant Server 0.00008; TOPMed 0.00009; ExAC 0.00011; gnomAD exomes 0.00011; 1000 Genomes Project 0.00040; 1000 Genomes Project 30x 0.00047.
gnomAD v4.1: 153 of 1,614,164 alleles (0.0095%); highest among the groups gnomAD compares: Middle Eastern, 0.049%; no homozygotes.

Submissions (2):

CeGaT Center for Human Genetics Tuebingen
Classification: Likely benign. Last evaluated: 2024-08-01. Review status: criteria provided, single submitter. Criteria: CeGaT Center For Human Genetics Tuebingen Variant Classification Criteria Version 2. Collection method: clinical testing. Allele origin: germline. Affected: yes. Observed: 2 variant alleles.
Comment: MRNIP: BP4, BP7

Illumina Laboratory Services, Illumina
Classification: Uncertain significance for Paget disease of bone 3. Last evaluated: 2018-01-13. Review status: criteria provided, single submitter. Criteria: ICSL Variant Classification Criteria 13 December 2019. Collection method: clinical testing. Allele origin: germline.

NM_016175.4(MRNIP):c.843C>T (p.Ala281=)

Genes: SQSTM1 (sequestosome 1; plus strand), MRNIP (MRN complex interacting protein; minus strand). Cytogenetic location: 5q35.3.
Variant type: single nucleotide variant.
Coding change: c.843C>T on transcript NM_016175.4 (MANE Select); coding-DNA position 843, C replaced by T.
Protein change: p.Ala281=; no amino-acid change (alanine 281 retained).
Molecular consequence: synonymous variant. On other transcripts: 3 prime UTR variant (3).
Genome position (GRCh38, 1-based): chr5:179,837,580, G>A on the plus strand (C>T on the coding strand, the complement: MRNIP is on the minus strand). VCF-style: chr5-179837580-G-A. GRCh37 (hg19) VCF-style: chr5-179264580-G-A.
Other names: c.678C>T, p.Ala226= (NM_001017987.3); c.*987G>A (NM_001142298.2, NM_001142299.2, NM_003900.5).
Identifiers: ClinVar variation 353179 (VCV000353179.24), dbSNP rs199727564, ClinGen allele CA3601030.